The following is an entry in ClinVar:

ClinVar aggregate classification (germline): Likely benign (1 of 4 stars; one submission).

Allele frequency attached by ClinVar (database versions not stated): gnomAD exomes below 0.00001; gnomAD 0.00001.
gnomAD v4.1: 10 of 1,614,066 alleles (0.00062%); highest among the groups gnomAD compares: Middle Eastern, 0.016%; no homozygotes.

Submission:

GeneDx
Classification: Likely benign. Last evaluated: 2017-08-02. Review status: criteria provided, single submitter. Criteria: GeneDx Variant Classification (06012015). Collection method: clinical testing. Allele origin: germline. Affected: yes.
Comment: This variant is considered likely benign or benign based on one or more of the following criteria: it is a conservative change, it occurs at a poorly conserved position in the protein, it is predicted to be benign by multiple in silico algorithms, and/or has population frequency not consistent with disease.

NM_018122.5(DARS2):c.1800T>C (p.Asp600=)

Gene: DARS2 (aspartyl-tRNA synthetase 2, mitochondrial; plus strand). Cytogenetic location: 1q25.1.
Variant type: single nucleotide variant.
Coding change: c.1800T>C on transcript NM_018122.5 (MANE Select); coding-DNA position 1800, T replaced by C.
Protein change: p.Asp600=; no amino-acid change (aspartic acid 600 retained).
Molecular consequence: synonymous variant.
Genome position (GRCh38, 1-based): chr1:173,857,567, T>C. VCF-style: chr1-173857567-T-C. GRCh37 (hg19) VCF-style: chr1-173826705-T-C.
Other names: c.1647T>C, p.Asp549= (NM_001365212.1).
Identifiers: ClinVar variation 511002 (VCV000511002.1), dbSNP rs1457626345, ClinGen allele CA421811931.